The following is an entry in ClinVar:

ClinVar aggregate classification (germline): Uncertain significance (1 of 4 stars; one submission).

Conditions:
Acyl-CoA oxidase deficiency. Also called: Pseudoneonatal adrenoleukodystrophy; Peroxisomal acyl-CoA oxidase deficiency; STRAIGHT-CHAIN ACYL-CoA OXIDASE DEFICIENCY. Identifiers: Orphanet 2971, MedGen C1849678, MONDO:0009919, OMIM 264470. Disease mechanism: loss of function.

Allele frequency attached by ClinVar (database versions not stated): gnomAD exomes 0.00001.
gnomAD v4.1: 11 of 1,614,120 alleles (0.00068%); highest among the groups gnomAD compares: East Asian, 0.0022%; no homozygotes.

Submission:

Labcorp Genetics (formerly Invitae), Labcorp
Classification: Uncertain significance for Acyl-CoA oxidase deficiency. Last evaluated: 2024-07-01. Review status: criteria provided, single submitter. Criteria: Invitae Variant Classification Sherloc (09022015). Collection method: clinical testing. Allele origin: germline.
Comment: This sequence change replaces glutamic acid, which is acidic and polar, with glutamine, which is neutral and polar, at codon 98 of the ACOX1 protein (p.Glu98Gln). This variant is not present in population databases (gnomAD no frequency). This variant has not been reported in the literature in individuals affected with ACOX1-related conditions. Advanced modeling of protein sequence and biophysical properties (such as structural, functional, and spatial information, amino acid conservation, physicochemical variation, residue mobility, and thermodynamic stability) performed at Invitae indicates that this missense variant is not expected to disrupt ACOX1 protein function with a negative predictive value of 80%. In summary, the available evidence is currently insufficient to determine the role of this variant in disease. Therefore, it has been classified as a Variant of Uncertain Significance.

NM_004035.7(ACOX1):c.292G>C (p.Glu98Gln)

Gene: ACOX1 (acyl-CoA oxidase 1; minus strand). Cytogenetic location: 17q25.1.
Variant type: single nucleotide variant.
Coding change: c.292G>C on transcript NM_004035.7 (MANE Select); coding-DNA position 292, G replaced by C.
Protein change: p.Glu98Gln; replaces glutamic acid 98 with glutamine.
Molecular consequence: missense variant. On other transcripts: intron variant (1).
Genome position (GRCh38, 1-based): chr17:75,960,353, C>G on the plus strand (G>C on the coding strand, the complement: ACOX1 is on the minus strand). VCF-style: chr17-75960353-C-G. GRCh37 (hg19) VCF-style: chr17-73956434-C-G.
Other names: c.178G>C, p.Glu60Gln (NM_001185039.2); c.431-2787G>C (NM_007292.6); short protein forms E98Q, E60Q.
Identifiers: ClinVar variation 2848493 (VCV002848493.3), dbSNP rs1598186412, ClinGen allele CA401071862.